The following is an entry in ClinVar:

NM_018026.4(PACS1):c.1954G>T (p.Asp652Tyr)

Gene: PACS1 (phosphofurin acidic cluster sorting protein 1; plus strand). Cytogenetic location: 11q13.2.
Variant type: single nucleotide variant.
Coding change: c.1954G>T on transcript NM_018026.4 (MANE Select); coding-DNA position 1954, G replaced by T.
Protein change: p.Asp652Tyr; replaces aspartic acid 652 with tyrosine.
Molecular consequence: missense variant.
Genome position (GRCh38, 1-based): chr11:66,233,900, G>T. VCF-style: chr11-66233900-G-T. GRCh37 (hg19) VCF-style: chr11-66001371-G-T.
Other names: short protein forms D652Y.
Identifiers: ClinVar variation 4740623 (VCV004740623.1).

ClinVar aggregate classification (germline): Uncertain significance (1 of 4 stars; one submission).

Conditions:
Schuurs-Hoeijmakers syndrome. Also called: PACS1-Related Neurodevelopmental Disorder. Identifiers: Orphanet 329224, MedGen C3554343, MONDO:0014006, OMIM 615009.

Submission:

Labcorp Genetics (formerly Invitae), Labcorp
Classification: Uncertain significance for Schuurs-Hoeijmakers syndrome. Last evaluated: 2025-08-01. Review status: criteria provided, single submitter. Criteria: Invitae Variant Classification Sherloc (09022015). Collection method: clinical testing. Allele origin: germline.
Comment: This sequence change replaces aspartic acid, which is acidic and polar, with tyrosine, which is neutral and polar, at codon 652 of the PACS1 protein (p.Asp652Tyr). This variant is not present in population databases (gnomAD no frequency). This variant has not been reported in the literature in individuals affected with PACS1-related conditions. Invitae Evidence Modeling of protein sequence and biophysical properties (such as structural, functional, and spatial information, amino acid conservation, physicochemical variation, residue mobility, and thermodynamic stability) indicates that this missense variant is expected to disrupt PACS1 protein function with a positive predictive value of 80%. In summary, the available evidence is currently insufficient to determine the role of this variant in disease. Therefore, it has been classified as a Variant of Uncertain Significance.